The following is an entry in ClinVar:

ClinVar aggregate classification (germline): Uncertain significance (1 of 4 stars; one submission).

Conditions:
LAMA2-related muscular dystrophy (LAMA2-RD). Also called: Laminin alpha 2-related dystrophy. Identifiers: MedGen C5679788, MONDO:0100228.

gnomAD v4.1: 9 of 1,614,068 alleles (0.00056%); highest among the groups gnomAD compares: Non-Finnish European, 0.00076%; no homozygotes.

Submission:

Labcorp Genetics (formerly Invitae), Labcorp
Classification: Uncertain significance for LAMA2-related muscular dystrophy. Last evaluated: 2022-04-01. Review status: criteria provided, single submitter. Criteria: Invitae Variant Classification Sherloc (09022015). Collection method: clinical testing. Allele origin: germline.
Comment: This sequence change replaces serine, which is neutral and polar, with arginine, which is basic and polar, at codon 585 of the LAMA2 protein (p.Ser585Arg). This variant is not present in population databases (gnomAD no frequency). This variant has not been reported in the literature in individuals affected with LAMA2-related conditions. Advanced modeling of protein sequence and biophysical properties (such as structural, functional, and spatial information, amino acid conservation, physicochemical variation, residue mobility, and thermodynamic stability) performed at Invitae indicates that this missense variant is not expected to disrupt LAMA2 protein function. In summary, the available evidence is currently insufficient to determine the role of this variant in disease. Therefore, it has been classified as a Variant of Uncertain Significance.

NM_000426.4(LAMA2):c.1755C>A (p.Ser585Arg)

Gene: LAMA2 (laminin subunit alpha 2; plus strand). Cytogenetic location: 6q22.33.
Variant type: single nucleotide variant.
Coding change: c.1755C>A on transcript NM_000426.4 (MANE Select); coding-DNA position 1755, C replaced by A.
Protein change: p.Ser585Arg; replaces serine 585 with arginine.
Molecular consequence: missense variant.
Genome position (GRCh38, 1-based): chr6:129,192,826, C>A. VCF-style: chr6-129192826-C-A. GRCh37 (hg19) VCF-style: chr6-129513971-C-A.
Other names: c.1755C>A, p.Ser585Arg (NM_001079823.2); short protein forms S585R.
Identifiers: ClinVar variation 2083270 (VCV002083270.4), dbSNP rs1012171328, ClinGen allele CA146880714.